The following is an entry in ClinVar:

ClinVar aggregate classification (germline): Uncertain significance (1 of 4 stars; one submission).

Conditions:
Cardiovascular phenotype. Identifiers: MedGen CN230736.

Submission:

Ambry Genetics
Classification: Uncertain significance for Cardiovascular phenotype. Last evaluated: 2025-12-27. Review status: criteria provided, single submitter. Criteria: Ambry Variant Classification Scheme 2023. Collection method: clinical testing. Allele origin: germline.
Comment: The p.S158C variant (also known as c.473C>G), located in coding exon 4 of the ENG gene, results from a C to G substitution at nucleotide position 473. The serine at codon 158 is replaced by cysteine, an amino acid with dissimilar properties. This amino acid position is conserved. In addition, this alteration is predicted to be deleterious by in silico analysis. Based on the available evidence, the clinical significance of this variant remains unclear.

NM_001114753.3(ENG):c.473C>G (p.Ser158Cys)

Gene: ENG (endoglin; minus strand). Cytogenetic location: 9q34.11.
Variant type: single nucleotide variant.
Coding change: c.473C>G on transcript NM_001114753.3 (MANE Select); coding-DNA position 473, C replaced by G.
Protein change: p.Ser158Cys; replaces serine 158 with cysteine.
Molecular consequence: missense variant. On other transcripts: 5 prime UTR variant (1).
Genome position (GRCh38, 1-based): chr9:127,826,560, G>C on the plus strand (C>G on the coding strand, the complement: ENG is on the minus strand). VCF-style: chr9-127826560-G-C. GRCh37 (hg19) VCF-style: chr9-130588839-G-C.
Other names: c.473C>G, p.Ser158Cys (NM_000118.4, NM_001406715.1); c.-74C>G (NM_001278138.2); short protein forms S158C.
Identifiers: ClinVar variation 4843456 (VCV004843456.1).